The following is an entry in ClinVar:

NM_006206.6(PDGFRA):c.803C>T (p.Ser268Phe)

Gene: PDGFRA (platelet derived growth factor receptor alpha; plus strand). Cytogenetic location: 4q12.
Variant type: single nucleotide variant.
Coding change: c.803C>T on transcript NM_006206.6 (MANE Select); coding-DNA position 803, C replaced by T.
Protein change: p.Ser268Phe; replaces serine 268 with phenylalanine.
Molecular consequence: missense variant.
Genome position (GRCh38, 1-based): chr4:54,267,332, C>T. VCF-style: chr4-54267332-C-T. GRCh37 (hg19) VCF-style: chr4-55133499-C-T.
Other names: c.803C>T, p.Ser268Phe (NM_001347827.2, NM_001347829.2); c.878C>T, p.Ser293Phe (NM_001347828.2); c.842C>T, p.Ser281Phe (NM_001347830.2); short protein forms S281F, S293F, S268F.
Identifiers: ClinVar variation 1761760 (VCV001761760.4), dbSNP rs754973533, ClinGen allele CA2922396.
Genomic context (GRCh38, chr4:54,267,332, plus strand): 5'-TTCCCCTTTTGCTGTAGAAAGGCAAAGGCATCACAATGCTGGAAGAAATCAAAGTCCCAT[C>T]CATCAAATTGGTGTACACTTTGACGGTCCCCGAGGCCACGGTGAAAGACAGTGGAGATTA-3'
Protein context (NP_006197.1, residues 258-278): ITMLEEIKVP[Ser268Phe]IKLVYTLTVP

ClinVar aggregate classification (germline): Conflicting classifications of pathogenicity. Review status: criteria provided, conflicting classifications (1 of 4 stars). 3 submissions from 3 submitters: Uncertain significance (2); Likely benign (1). Last evaluated 2026-09-01.

Conditions:
Hereditary cancer-predisposing syndrome. Also called: Hereditary neoplastic syndrome; Neoplastic Syndromes, Hereditary; Tumor predisposition; Hereditary Cancer Syndrome. Identifiers: Orphanet 140162, MedGen C0027672, MeSH D009386, MONDO:0015356.
Gastrointestinal stromal tumor. Also called: Gastrointestinal stroma tumor; Gastrointestinal stromal tumor, somatic. Identifiers: Orphanet 44890, MedGen C0238198, MeSH D046152, MONDO:0011719, OMIM 606764, HP:0100723.

Allele frequency attached by ClinVar (database versions not stated): gnomAD 0.00001; gnomAD exomes 0.00001; ExAC 0.00002.

Submissions (3):

CeGaT Center for Human Genetics Tuebingen
Classification: Uncertain significance. Last evaluated: 2026-09-01. Review status: criteria provided, single submitter. Criteria: CeGaT Center For Human Genetics Tuebingen Variant Classification Criteria Version 2. Collection method: clinical testing. Allele origin: germline. Affected: yes. Observed: 1 variant allele.

Labcorp Genetics (formerly Invitae), Labcorp
Classification: Uncertain significance for Gastrointestinal stromal tumor. Last evaluated: 2025-12-15. Review status: criteria provided, single submitter. Criteria: Invitae Variant Classification Sherloc (09022015). Collection method: clinical testing. Allele origin: germline.
Comment: This sequence change replaces serine, which is neutral and polar, with phenylalanine, which is neutral and non-polar, at codon 268 of the PDGFRA protein (p.Ser268Phe). This variant is present in population databases (rs754973533, gnomAD 0.02%). This variant has not been reported in the literature in individuals affected with PDGFRA-related conditions. ClinVar contains an entry for this variant (Variation ID: 1761760). Invitae Evidence Modeling of protein sequence and biophysical properties (such as structural, functional, and spatial information, amino acid conservation, physicochemical variation, residue mobility, and thermodynamic stability) indicates that this missense variant is not expected to disrupt PDGFRA protein function with a negative predictive value of 80%. In summary, the available evidence is currently insufficient to determine the role of this variant in disease. Therefore, it has been classified as a Variant of Uncertain Significance.

Ambry Genetics
Classification: Likely benign for Hereditary cancer-predisposing syndrome. Last evaluated: 2022-05-12. Review status: criteria provided, single submitter. Criteria: Ambry Variant Classification Scheme 2023. Collection method: clinical testing. Allele origin: germline.